The following is an entry in ClinVar:

ClinVar aggregate classification (germline): Uncertain significance. Review status: criteria provided, multiple submitters, no conflicts (2 of 4 stars). 3 submissions from 3 submitters: Uncertain significance (3). Last evaluated 2024-01-19.

Conditions:
Eculizumab, poor response to. Identifiers: MedGen C3810402, OMIM 615749.
Complement component 5 deficiency. Also called: C5 DEFICIENCY. Identifiers: MedGen C0343047, MONDO:0012295, OMIM 609536.

Allele frequency attached by ClinVar (database versions not stated): gnomAD exomes below 0.00001 and 0.00001; ExAC 0.00001; gnomAD 0.00001; 1000 Genomes Project 30x 0.00016; 1000 Genomes Project 0.00020.
gnomAD v4.1: 8 of 1,613,720 alleles (0.0005%); highest among the groups gnomAD compares: South Asian, 0.0044%; no homozygotes.

Submissions (3):

Ambry Genetics
Classification: Uncertain significance. Last evaluated: 2024-01-19. Review status: criteria provided, single submitter. Criteria: Ambry Variant Classification Scheme 2023. Collection method: clinical testing. Allele origin: germline.

Fulgent Genetics
Classification: Uncertain significance for Complement component 5 deficiency; Eculizumab, poor response to. Last evaluated: 2022-05-13. Review status: criteria provided, single submitter. Criteria: ACMG Guidelines, 2015. Collection method: clinical testing. Allele origin: unknown.

Labcorp Genetics (formerly Invitae), Labcorp
Classification: Uncertain significance. Last evaluated: 2021-08-14. Review status: criteria provided, single submitter. Criteria: Invitae Variant Classification Sherloc (09022015). Collection method: clinical testing. Allele origin: germline.
Comment: This sequence change replaces arginine with cysteine at codon 1226 of the C5 protein (p.Arg1226Cys). The arginine residue is moderately conserved and there is a large physicochemical difference between arginine and cysteine. This variant is present in population databases (rs537101618, ExAC 0.006%). This variant has not been reported in the literature in individuals affected with C5-related conditions. Algorithms developed to predict the effect of missense changes on protein structure and function are either unavailable or do not agree on the potential impact of this missense change (SIFT: "Tolerated"; PolyPhen-2: "Possibly Damaging"; Align-GVGD: "Class C0"). In summary, the available evidence is currently insufficient to determine the role of this variant in disease. Therefore, it has been classified as a Variant of Uncertain Significance.

NM_001735.3(C5):c.3676C>T (p.Arg1226Cys)

Gene: C5 (complement C5; minus strand). Cytogenetic location: 9q33.2.
Variant type: single nucleotide variant.
Coding change: c.3676C>T on transcript NM_001735.3 (MANE Select); coding-DNA position 3676, C replaced by T.
Protein change: p.Arg1226Cys; replaces arginine 1226 with cysteine.
Molecular consequence: missense variant.
Genome position (GRCh38, 1-based): chr9:120,976,888, G>A on the plus strand (C>T on the coding strand, the complement: C5 is on the minus strand). VCF-style: chr9-120976888-G-A. GRCh37 (hg19) VCF-style: chr9-123739166-G-A.
Other names: c.3694C>T, p.Arg1232Cys (NM_001317163.2); c.3676C>T (NM_001735.2); short protein forms R1226C, R1232C.
Identifiers: ClinVar variation 1432995 (VCV001432995.7), dbSNP rs537101618, ClinGen allele CA5217409.